The following is an entry in ClinVar:

ClinVar aggregate classification (germline): Benign/Likely benign. Review status: criteria provided, multiple submitters, no conflicts (2 of 4 stars). 3 submissions from 3 submitters: Benign (1); Likely benign (2). Last evaluated 2024-09-12.

Conditions:
Hereditary cancer-predisposing syndrome. Also called: Neoplastic Syndromes, Hereditary; Hereditary neoplastic syndrome; Tumor predisposition; Hereditary Cancer Syndrome. Identifiers: Orphanet 140162, MedGen C0027672, MeSH D009386, MONDO:0015356.
Hereditary diffuse gastric adenocarcinoma (HDGC). Also called: DIFFUSE GASTRIC AND LOBULAR BREAST CANCER SYNDROME. Identifiers: Orphanet 26106, MedGen C1708349, MONDO:0007648, OMIM 137215.

Allele frequency attached by ClinVar (database versions not stated): gnomAD exomes 0.00001; ESP Exome Variant Server 0.00008.
gnomAD v4.1: 11 of 1,613,998 alleles (0.00068%); highest among the groups gnomAD compares: Non-Finnish European, 0.00093%; no homozygotes.

Submissions (3):

Myriad Genetics, Inc.
Classification: Benign for Hereditary diffuse gastric adenocarcinoma. Last evaluated: 2024-09-12. Review status: criteria provided, single submitter. Criteria: Myriad Autosomal Dominant, Autosomal Recessive and X-Linked Classification Criteria (2023). Collection method: clinical testing. Allele origin: unknown.
Comment: This variant is considered benign. This variant is a silent/synonymous amino acid change and it is not expected to impact splicing.

Labcorp Genetics (formerly Invitae), Labcorp
Classification: Likely benign for Hereditary diffuse gastric adenocarcinoma. Last evaluated: 2024-06-28. Review status: criteria provided, single submitter. Criteria: Invitae Variant Classification Sherloc (09022015). Collection method: clinical testing. Allele origin: germline.

Ambry Genetics
Classification: Likely benign for Hereditary cancer-predisposing syndrome. Last evaluated: 2022-07-12. Review status: criteria provided, single submitter. Criteria: Ambry Variant Classification Scheme 2023. Collection method: clinical testing. Allele origin: germline.

NM_004360.5(CDH1):c.366C>T (p.His122=)

Gene: CDH1 (cadherin 1; plus strand). Cytogenetic location: 16q22.1.
Variant type: single nucleotide variant.
Coding change: c.366C>T on transcript NM_004360.5 (MANE Select); coding-DNA position 366, C replaced by T.
Protein change: p.His122=; no amino-acid change (histidine 122 retained).
Molecular consequence: synonymous variant. On other transcripts: 5 prime UTR variant (2).
Genome position (GRCh38, 1-based): chr16:68,801,872, C>T. VCF-style: chr16-68801872-C-T. GRCh37 (hg19) VCF-style: chr16-68835775-C-T.
Other names: c.366C>T, p.His122= (NM_001317184.2); c.-1250C>T (NM_001317185.2); c.-1454C>T (NM_001317186.2).
Identifiers: ClinVar variation 1619134 (VCV001619134.11), dbSNP rs140123339, ClinGen allele CA283291569.